The following is an entry in ClinVar:

ClinVar aggregate classification (germline): Uncertain significance (1 of 4 stars; one submission).

Conditions:
Leukocyte adhesion deficiency 1 (LAD1). Also called: LEUKOCYTE ADHESION DEFICIENCY, TYPE I; LAD 1; Lymphocyte function-associated antigen 1 immunodeficiency; LFA 1 immunodeficiency. Identifiers: Orphanet 2968, Orphanet 99842, MedGen C0398738, MONDO:0007293, OMIM 116920.

Allele frequency attached by ClinVar (database versions not stated): gnomAD exomes 0.00004 and 0.00005; gnomAD 0.00005 and 0.00006; ExAC 0.00006; TOPMed 0.00008.
gnomAD v4.1: 79 of 1,613,820 alleles (0.0049%); highest among the groups gnomAD compares: Admixed American, 0.0083%; no homozygotes.

Submission:

Labcorp Genetics (formerly Invitae), Labcorp
Classification: Uncertain significance for Leukocyte adhesion deficiency 1. Last evaluated: 2021-08-27. Review status: criteria provided, single submitter. Criteria: Invitae Variant Classification Sherloc (09022015). Collection method: clinical testing. Allele origin: germline.
Comment: This sequence change replaces valine with isoleucine at codon 255 of the ITGB2 protein (p.Val255Ile). The valine residue is highly conserved and there is a small physicochemical difference between valine and isoleucine. This variant is present in population databases (rs200206541, ExAC 0.02%). This variant has not been reported in the literature in individuals affected with ITGB2-related conditions. Algorithms developed to predict the effect of missense changes on protein structure and function are either unavailable or do not agree on the potential impact of this missense change (SIFT: "Deleterious"; PolyPhen-2: "Benign"; Align-GVGD: "Class C25"). In summary, the available evidence is currently insufficient to determine the role of this variant in disease. Therefore, it has been classified as a Variant of Uncertain Significance.

NM_000211.5(ITGB2):c.763G>A (p.Val255Ile)

Gene: ITGB2 (integrin subunit beta 2; minus strand). Cytogenetic location: 21q22.3.
Variant type: single nucleotide variant.
Coding change: c.763G>A on transcript NM_000211.5 (MANE Select); coding-DNA position 763, G replaced by A.
Protein change: p.Val255Ile; replaces valine 255 with isoleucine.
Molecular consequence: missense variant.
Genome position (GRCh38, 1-based): chr21:44,900,454, C>T on the plus strand (G>A on the coding strand, the complement: ITGB2 is on the minus strand). VCF-style: chr21-44900454-C-T. GRCh37 (hg19) VCF-style: chr21-46320369-C-T.
Other names: c.763G>A, p.Val255Ile (NM_001127491.3); c.556G>A, p.Val186Ile (NM_001303238.2); short protein forms V186I, V255I.
Identifiers: ClinVar variation 1056015 (VCV001056015.6), dbSNP rs200206541, ClinGen allele CA10063069.
Genomic context (GRCh38, chr21:44,900,454, plus strand): 5'-GCTTCCCGTCGCCCGCGAAATGGAAGCCGTCATCAGTGGCAAACACCAGCAGCCGCGTGA[C>T]GTTGCGCCAGCCGATTTCCTCCTGAGAAGAAGGCGTGGGGGGCAGGGTTACCTGCCTCAG-3'
Protein context (NP_000202.3, residues 245-265): ACPEEIGWRN[Val255Ile]TRLLVFATDD